The following is an entry in ClinVar:

NM_000760.4(CSF3R):c.1233_1234dup (p.Asn412fs)

Gene: CSF3R (colony stimulating factor 3 receptor; minus strand). Cytogenetic location: 1p34.3.
Variant type: Microsatellite.
Coding change: c.1233_1234dup on transcript NM_000760.4 (MANE Select); coding-DNA positions 1233 to 1234, 2 bases duplicated (TA; older notation c.1233_1234dupTA).
Protein change: p.Asn412fs; shifts the reading frame from asparagine 412.
Molecular consequence: frameshift variant.
Genome position (GRCh38, 1-based): chr1:36,471,484-36,471,485, TA duplicated on the plus strand (TA on the coding strand, the reverse complement: CSF3R is on the minus strand); duplicating any 2 consecutive bases within chr1:36,471,484-36,471,487 gives the same sequence; the c. name uses the placement nearest the transcript's 3' end. VCF-style (leftmost placement, unchanged base first): chr1-36471483-T-TTA. GRCh37 (hg19) VCF-style: chr1-36937084-T-TTA.
Other names: c.1233_1234dup, p.Asn412fs (NM_156039.3, NM_172313.3); short protein forms N412fs.
Identifiers: ClinVar variation 2747049 (VCV002747049.3), dbSNP rs2521775937, ClinGen allele CA2697552320.
Genomic context (GRCh38, chr1:36,471,483, plus strand): 5'-CCCCCTTTACCTCTGCTTTCTGAGAAGACCACCGGAGTGGGACGAGAGGTCCCGGCTGAG[T>TTA]TATAGGCCACAAGGGCCACCTCCTGGGCTTCTGAAGGCAGGTGGAAGGTGCAGCTGAGCT-3'

ClinVar aggregate classification (germline): Pathogenic (1 of 4 stars; one submission).

Conditions:
Autosomal recessive severe congenital neutropenia due to CSF3R deficiency. Also called: Neutropenia, severe congenital, 7, autosomal recessive. Identifiers: Orphanet 420702, MedGen C4310764, MONDO:0014865, OMIM 617014.

Submission:

Labcorp Genetics (formerly Invitae), Labcorp
Classification: Pathogenic for Autosomal recessive severe congenital neutropenia due to CSF3R deficiency. Last evaluated: 2023-07-26. Review status: criteria provided, single submitter. Criteria: Invitae Variant Classification Sherloc (09022015). Collection method: clinical testing. Allele origin: germline.
Comment: For these reasons, this variant has been classified as Pathogenic. This variant has not been reported in the literature in individuals affected with CSF3R-related conditions. This variant is not present in population databases (gnomAD no frequency). This sequence change creates a premature translational stop signal (p.Asn412Ilefs*22) in the CSF3R gene. It is expected to result in an absent or disrupted protein product. Loss-of-function variants in CSF3R are known to be pathogenic (PMID: 24753537, 26324699).

Literature cited by the submitters: PubMed 24753537; PubMed 26324699.